The following is an entry in ClinVar:

NM_005739.4(RASGRP1):c.1921C>T (p.His641Tyr)

Gene: RASGRP1 (RAS guanyl releasing protein 1; minus strand). Cytogenetic location: 15q14.
Variant type: single nucleotide variant.
Coding change: c.1921C>T on transcript NM_005739.4 (MANE Select); coding-DNA position 1921, C replaced by T.
Protein change: p.His641Tyr; replaces histidine 641 with tyrosine.
Molecular consequence: missense variant. On other transcripts: intron variant (1).
Genome position (GRCh38, 1-based): chr15:38,494,720, G>A on the plus strand (C>T on the coding strand, the complement: RASGRP1 is on the minus strand). VCF-style: chr15-38494720-G-A. GRCh37 (hg19) VCF-style: chr15-38786921-G-A.
Other names: c.1816C>T, p.His606Tyr (NM_001128602.2); c.1769-4032C>T (NM_001306086.2); short protein forms H606Y, H641Y.
Identifiers: ClinVar variation 1427190 (VCV001427190.7), dbSNP rs147833189, ClinGen allele CA7470708.
Genomic context (GRCh38, chr15:38,494,720, plus strand): 5'-AAATCTTCTGTGAGGACACTCCCATCAGCATGATGGTCCGATCCTTACTCTCCTCACCAT[G>A]TTCCACAGCCTCCCCATTAGGGAATGTAAAAGGTCCTTCCTCAGGTGCTGTAGGAAGATA-3'
Protein context (NP_005730.2, residues 631-651): FTFPNGEAVE[His641Tyr]GEESKDRTIM

ClinVar aggregate classification (germline): Uncertain significance. Review status: criteria provided, multiple submitters, no conflicts (2 of 4 stars). 2 submissions from 2 submitters: Uncertain significance (2). Last evaluated 2025-12-24.

Allele frequency attached by ClinVar (database versions not stated): TOPMed 0.00002; gnomAD 0.00003 and 0.00010; gnomAD exomes 0.00003 and 0.00021; ExAC 0.00006; 1000 Genomes Project 30x 0.00062; 1000 Genomes Project 0.00080.
gnomAD v4.1: 299 of 1,515,780 alleles (0.02%); highest among the groups gnomAD compares: East Asian, 0.67%; 4 homozygotes.

Submissions (2):

Labcorp Genetics (formerly Invitae), Labcorp
Classification: Uncertain significance. Last evaluated: 2025-12-24. Review status: criteria provided, single submitter. Criteria: Invitae Variant Classification Sherloc (09022015). Collection method: clinical testing. Allele origin: germline.
Comment: This sequence change replaces histidine, which is basic and polar, with tyrosine, which is neutral and polar, at codon 641 of the RASGRP1 protein (p.His641Tyr). This variant is present in population databases (rs147833189, gnomAD 0.03%). This variant has not been reported in the literature in individuals affected with RASGRP1-related conditions. ClinVar contains an entry for this variant (Variation ID: 1427190). Invitae Evidence Modeling of protein sequence and biophysical properties (such as structural, functional, and spatial information, amino acid conservation, physicochemical variation, residue mobility, and thermodynamic stability) indicates that this missense variant is not expected to disrupt RASGRP1 protein function with a negative predictive value of 80%. In summary, the available evidence is currently insufficient to determine the role of this variant in disease. Therefore, it has been classified as a Variant of Uncertain Significance.

Blueprint Genetics
Classification: Uncertain significance. Last evaluated: 2021-12-30. Review status: criteria provided, single submitter. Criteria: ACMG Guidelines, 2015. Collection method: clinical testing. Allele origin: germline.